The following is an entry in ClinVar:

ClinVar aggregate classification (germline): Likely pathogenic (1 of 4 stars; one submission).

Conditions:
Autosomal recessive limb-girdle muscular dystrophy type 2A (LGMDR1). Also called: LEYDEN-MOEBIUS MUSCULAR DYSTROPHY; MUSCULAR DYSTROPHY, PELVOFEMORAL; Limb-girdle muscular dystrophy, type 2A; Calpainopathy; Muscular dystrophy, limb-girdle, type 2A, Amish. Identifiers: Orphanet 267, MedGen C1869123, MONDO:0009675, OMIM 253600. Disease mechanism: loss of function.

Submission:

Myriad Genetics, Inc.
Classification: Likely pathogenic for Autosomal recessive limb-girdle muscular dystrophy type 2A. Last evaluated: 2022-01-23. Review status: criteria provided, single submitter. Criteria: Myriad Women's Health Autosomal Recessive and X-Linked Classification Criteria (2021). Collection method: clinical testing. Allele origin: unknown.
Comment: NM_000070.2(CAPN3):c.543C>A(C181*) is expected to be pathogenic in the context of calpainopathy. This variant is predicted to lead to an abnormal or absent protein product due to the creation of a premature termination codon in CAPN3, a gene where loss-of-function variants are known to be pathogenic. Please note: this variant was assessed in the context of healthy population screening.

NM_000070.3(CAPN3):c.543C>A (p.Cys181Ter)

Gene: CAPN3 (calpain 3; plus strand). Cytogenetic location: 15q15.1.
Variant type: single nucleotide variant.
Coding change: c.543C>A on transcript NM_000070.3 (MANE Select); coding-DNA position 543, C replaced by A.
Protein change: p.Cys181Ter; replaces cysteine 181 with a stop codon.
Molecular consequence: nonsense.
Genome position (GRCh38, 1-based): chr15:42,387,797, C>A. VCF-style: chr15-42387797-C-A. GRCh37 (hg19) VCF-style: chr15-42679995-C-A.
Other names: c.543C>A, p.Cys181Ter (NM_024344.2, NM_173087.2); c.282C>A, p.Cys94Ter (NM_212464.2); c.*236C>A (NM_212467.2); short protein forms C181*, C94*.
Identifiers: ClinVar variation 1724013 (VCV001724013.2), dbSNP rs2548257965, ClinGen allele CA391997838.